The following is an entry in ClinVar:

ClinVar aggregate classification (germline): Uncertain significance (1 of 4 stars; one submission).

Submission:

Labcorp Genetics (formerly Invitae), Labcorp
Classification: Uncertain significance. Last evaluated: 2024-10-24. Review status: criteria provided, single submitter. Criteria: Invitae Variant Classification Sherloc (09022015). Collection method: clinical testing. Allele origin: germline.
Comment: This sequence change replaces arginine, which is basic and polar, with proline, which is neutral and non-polar, at codon 64 of the KCNC3 protein (p.Arg64Pro). The frequency data for this variant in the population databases is considered unreliable, as metrics indicate insufficient coverage at this position in the gnomAD database. This variant has not been reported in the literature in individuals affected with KCNC3-related conditions. ClinVar contains an entry for this variant (Variation ID: 2130357). Invitae Evidence Modeling of protein sequence and biophysical properties (such as structural, functional, and spatial information, amino acid conservation, physicochemical variation, residue mobility, and thermodynamic stability) indicates that this missense variant is not expected to disrupt KCNC3 protein function with a negative predictive value of 95%. In summary, the available evidence is currently insufficient to determine the role of this variant in disease. Therefore, it has been classified as a Variant of Uncertain Significance.

NM_004977.3(KCNC3):c.191G>C (p.Arg64Pro)

Gene: KCNC3 (potassium voltage-gated channel subfamily C member 3; minus strand). Cytogenetic location: 19q13.33.
Variant type: single nucleotide variant.
Coding change: c.191G>C on transcript NM_004977.3 (MANE Select); coding-DNA position 191, G replaced by C.
Protein change: p.Arg64Pro; replaces arginine 64 with proline.
Molecular consequence: missense variant. On other transcripts: 5 prime UTR variant (1).
Genome position (GRCh38, 1-based): chr19:50,328,892, C>G on the plus strand (G>C on the coding strand, the complement: KCNC3 is on the minus strand). VCF-style: chr19-50328892-C-G. GRCh37 (hg19) VCF-style: chr19-50832149-C-G.
Other names: c.-38G>C (NM_001372305.1); short protein forms R64P.
Identifiers: ClinVar variation 2130357 (VCV002130357.4), dbSNP rs2513804402, ClinGen allele CA406956440.